The following is an entry in ClinVar:

NM_002860.4(ALDH18A1):c.1474G>C (p.Ala492Pro)

Gene: ALDH18A1 (aldehyde dehydrogenase 18 family member A1; minus strand). Cytogenetic location: 10q24.1.
Variant type: single nucleotide variant.
Coding change: c.1474G>C on transcript NM_002860.4 (MANE Select); coding-DNA position 1474, G replaced by C.
Protein change: p.Ala492Pro; replaces alanine 492 with proline.
Molecular consequence: missense variant.
Genome position (GRCh38, 1-based): chr10:95,616,608, C>G on the plus strand (G>C on the coding strand, the complement: ALDH18A1 is on the minus strand). VCF-style: chr10-95616608-C-G. GRCh37 (hg19) VCF-style: chr10-97376365-C-G.
Other names: c.1474G>C, p.Ala492Pro (NM_001323414.2, NM_001323413.2); c.1468G>C, p.Ala490Pro (NM_001323415.2, NM_001017423.2); c.1141G>C, p.Ala381Pro (NM_001323416.2, NM_001323412.2); c.1369G>C, p.Ala457Pro (NM_001323417.2); c.1135G>C, p.Ala379Pro (NM_001323418.2); c.838G>C, p.Ala280Pro (NM_001323419.2); short protein forms A381P, A492P, A457P, A280P, A379P, A490P.
Identifiers: ClinVar variation 2938559 (VCV002938559.3), dbSNP rs2139552444, ClinGen allele CA377701205.
Genomic context (GRCh38, chr10:95,616,608, plus strand): 5'-TGTGTGCAGCCTCCTTCCCTCCTTTGAGTAACAAGCCATTGCCACTTGCGATAGCCAAAG[C>G]TGCCACCTGCAGATCAAAGGGAGAGCAGTGGATCAAAGGAGACAAACAGTAATAGCAACA-3'
Protein context (NP_002851.2, residues 482-502): SRPDCLPQVA[Ala492Pro]LAIASGNGLL

ClinVar aggregate classification (germline): Uncertain significance (1 of 4 stars; one submission).

Conditions:
Cutis laxa, autosomal dominant 3 (ADCL3). Identifiers: Orphanet 90348, MedGen C4225268, MONDO:0014706, OMIM 616603.
Autosomal dominant spastic paraplegia type 9. Identifiers: MedGen C1832669, MONDO:0015091.
de Barsy syndrome. Also called: Cutis laxa-corneal clouding-oligophrenia syndrome. Identifiers: Orphanet 2962, MedGen C0268354, MONDO:0017569.

Submission:

Labcorp Genetics (formerly Invitae), Labcorp
Classification: Uncertain significance for Autosomal dominant spastic paraplegia type 9; de Barsy syndrome; Cutis laxa, autosomal dominant 3. Last evaluated: 2024-01-11. Review status: criteria provided, single submitter. Criteria: Invitae Variant Classification Sherloc (09022015). Collection method: clinical testing. Allele origin: germline.
Comment: This sequence change replaces alanine, which is neutral and non-polar, with proline, which is neutral and non-polar, at codon 492 of the ALDH18A1 protein (p.Ala492Pro). This variant is not present in population databases (gnomAD no frequency). This variant has not been reported in the literature in individuals affected with ALDH18A1-related conditions. Advanced modeling of protein sequence and biophysical properties (such as structural, functional, and spatial information, amino acid conservation, physicochemical variation, residue mobility, and thermodynamic stability) has been performed at Invitae for this missense variant, however the output from this modeling did not meet the statistical confidence thresholds required to predict the impact of this variant on ALDH18A1 protein function. In summary, the available evidence is currently insufficient to determine the role of this variant in disease. Therefore, it has been classified as a Variant of Uncertain Significance.